The following is an entry in ClinVar:

ClinVar aggregate classification (germline): Uncertain significance (1 of 4 stars; one submission).

Conditions:
BAZ2B-related disorder. Also called: BAZ2B-related condition.

Submission:

PreventionGenetics, part of Exact Sciences
Classification: Uncertain significance for BAZ2B-related condition. Last evaluated: 2026-07-14. Review status: criteria provided, single submitter. Criteria: ACMG Guidelines, 2015. Collection method: clinical testing. Allele origin: germline.
Comment: The BAZ2B c.4295A>G variant is predicted to result in the amino acid substitution p.Lys1432Arg. To our knowledge, this variant has not been reported in the literature or in a large population database (gnomAD), indicating this variant is rare. At this time, the clinical significance of this variant is uncertain due to the absence of conclusive functional and genetic evidence.

NM_013450.4(BAZ2B):c.4403A>G (p.Lys1468Arg)

Genes: BAZ2B (bromodomain adjacent to zinc finger domain 2B; minus strand), LOC126806390 (CDK7 strongly-dependent group 2 enhancer GRCh37_chr2:160205700-160206899; plus strand). Cytogenetic location: 2q24.2.
Variant type: single nucleotide variant.
Coding change: c.4403A>G on transcript NM_013450.4 (MANE Select); coding-DNA position 4403, A replaced by G.
Protein change: p.Lys1468Arg; replaces lysine 1468 with arginine.
Molecular consequence: missense variant.
Genome position (GRCh38, 1-based): chr2:159,350,168, T>C on the plus strand (A>G on the coding strand, the complement: BAZ2B is on the minus strand). VCF-style: chr2-159350168-T-C. GRCh37 (hg19) VCF-style: chr2-160206679-T-C.
Other names: c.4295A>G, p.Lys1432Arg (NM_001289975.1); c.4241A>G, p.Lys1414Arg (NM_001329857.2); c.4328A>G, p.Lys1443Arg (NM_001329858.2); short protein forms K1468R, K1432R, K1414R, K1443R.
Identifiers: ClinVar variation 4992287 (VCV004992287.1).